The following is an entry in ClinVar:

ClinVar aggregate classification (germline): Uncertain significance (1 of 4 stars; one submission).

Conditions:
Bardet-Biedl syndrome (BBS). Identifiers: Orphanet 110, MedGen C0752166, MONDO:0015229.

Submission:

Labcorp Genetics (formerly Invitae), Labcorp
Classification: Uncertain significance for Bardet-Biedl syndrome. Last evaluated: 2022-12-06. Review status: criteria provided, single submitter. Criteria: Invitae Variant Classification Sherloc (09022015). Collection method: clinical testing. Allele origin: germline.
Comment: This variant, c.586_588del, results in the deletion of 1 amino acid(s) of the TTC8 protein (p.Val196del), but otherwise preserves the integrity of the reading frame. This variant is present in population databases (no rsID available, gnomAD 0.006%). This variant has not been reported in the literature in individuals affected with TTC8-related conditions. ClinVar contains an entry for this variant (Variation ID: 1480689). Experimental studies and prediction algorithms are not available or were not evaluated, and the functional significance of this variant is currently unknown. In summary, the available evidence is currently insufficient to determine the role of this variant in disease. Therefore, it has been classified as a Variant of Uncertain Significance.

NM_144596.4(TTC8):c.616_618del (p.Val206del)

Gene: TTC8 (tetratricopeptide repeat domain 8; plus strand). Cytogenetic location: 14q31.3.
Variant type: Deletion.
Coding change: c.616_618del on transcript NM_144596.4 (MANE Select); coding-DNA positions 616 to 618, 3 bases deleted (GTT; older notation c.616_618delGTT).
Protein change: p.Val206del; deletes valine 206.
Molecular consequence: inframe deletion. On other transcripts: 5 prime UTR variant (1), non-coding transcript variant (1), intron variant (1).
Genome position (GRCh38, 1-based): chr14:88,843,842-88,843,844, GTT deleted; deleting any 3 consecutive bases within chr14:88,843,841-88,843,844 gives the same sequence; the c. name uses the placement nearest the transcript's 3' end. VCF-style (leftmost placement, unchanged base first): chr14-88843840-ATGT-A. GRCh37 (hg19) VCF-style: chr14-89310184-ATGT-A.
Other names: c.586_588del, p.Val196del (NM_001288781.1, NM_001366535.2, NM_198309.3); c.-162_-160del (NM_001288783.1); c.496_498del, p.Val166del (NM_001366536.2, NM_198310.3); c.30+2285_30+2287del (NM_001288782.1); short protein forms V166del, V196del, V206del.
Identifiers: ClinVar variation 1480689 (VCV001480689.8), dbSNP rs1411331191, ClinGen allele CA615695989.